The following is an entry in ClinVar:

NM_000066.4(C8B):c.667del (p.Thr223fs)

Gene: C8B (complement C8 beta chain; minus strand). Cytogenetic location: 1p32.2.
Variant type: Deletion.
Coding change: c.667del on transcript NM_000066.4 (MANE Select); coding-DNA position 667, one base deleted (A; older notation c.667delA).
Protein change: p.Thr223fs; shifts the reading frame from threonine 223.
Molecular consequence: frameshift variant.
Genome position (GRCh38, 1-based): chr1:56,949,752, T deleted on the plus strand (A on the coding strand, the reverse complement: C8B is on the minus strand). VCF-style (leftmost placement, unchanged base first): chr1-56949751-GT-G. GRCh37 (hg19) VCF-style: chr1-57415424-GT-G.
Other names: c.511del, p.Thr171fs (NM_001278543.2); c.481del, p.Thr161fs (NM_001278544.2); short protein forms T171fs, T161fs, T223fs.
Identifiers: ClinVar variation 2014711 (VCV002014711.4), dbSNP rs2522748423, ClinGen allele CA2580063070.

ClinVar aggregate classification (germline): Pathogenic (1 of 4 stars; one submission).

Allele frequency attached by ClinVar (database versions not stated): gnomAD exomes below 0.00001.

Submission:

Labcorp Genetics (formerly Invitae), Labcorp
Classification: Pathogenic. Last evaluated: 2023-06-10. Review status: criteria provided, single submitter. Criteria: Invitae Variant Classification Sherloc (09022015). Collection method: clinical testing. Allele origin: germline.
Comment: For these reasons, this variant has been classified as Pathogenic. Algorithms developed to predict the effect of sequence changes on RNA splicing suggest that this variant may disrupt the consensus splice site. ClinVar contains an entry for this variant (Variation ID: 2014711). This variant has not been reported in the literature in individuals affected with C8B-related conditions. This variant is not present in population databases (gnomAD no frequency). This sequence change creates a premature translational stop signal (p.Thr223Profs*9) in the C8B gene. It is expected to result in an absent or disrupted protein product. Loss-of-function variants in C8B are known to be pathogenic (PMID: 7594510).

Literature cited by the submitters: PubMed 7594510.